The following is an entry in ClinVar:

ClinVar aggregate classification (germline): Uncertain significance (1 of 4 stars; one submission).

Conditions:
Inborn genetic diseases. Identifiers: MedGen C0950123, MeSH D030342.

Submission:

Ambry Genetics
Classification: Uncertain significance for Inborn genetic diseases. Last evaluated: 2026-05-10. Review status: criteria provided, single submitter. Criteria: Ambry Variant Classification Scheme 2023. Collection method: clinical testing. Allele origin: germline.
Comment: The c.1405G>A (p.G469S) alteration is located in exon 9 (coding exon 9) of the DLL4 gene. This alteration results from a G to A substitution at nucleotide position 1405, causing the glycine (G) at amino acid position 469 to be replaced by a serine (S). Based on data from gnomAD, the A allele has an overall frequency of <0.001% (1/244614) total alleles studied. The highest observed frequency was 0.001% (1/110940) of European (non-Finnish) alleles. Based on insufficient or conflicting evidence, the clinical significance of this alteration remains unclear.

NM_019074.4(DLL4):c.1405G>A (p.Gly469Ser)

Gene: DLL4 (delta like canonical Notch ligand 4; plus strand). Cytogenetic location: 15q15.1.
Variant type: single nucleotide variant.
Coding change: c.1405G>A on transcript NM_019074.4 (MANE Select); coding-DNA position 1405, G replaced by A.
Protein change: p.Gly469Ser; replaces glycine 469 with serine.
Molecular consequence: missense variant.
Genome position (GRCh38, 1-based): chr15:40,936,392, G>A. VCF-style: chr15-40936392-G-A. GRCh37 (hg19) VCF-style: chr15-41228590-G-A.
Other names: short protein forms G469S.
Identifiers: ClinVar variation 3272319 (VCV003272319.2).